The following is an entry in ClinVar:

ClinVar aggregate classification (germline): Uncertain significance (1 of 4 stars; one submission).

Allele frequency attached by ClinVar (database versions not stated): gnomAD exomes below 0.00001.

Submission:

Labcorp Genetics (formerly Invitae), Labcorp
Classification: Uncertain significance. Last evaluated: 2022-02-24. Review status: criteria provided, single submitter. Criteria: Invitae Variant Classification Sherloc (09022015). Collection method: clinical testing. Allele origin: germline.
Comment: In summary, the available evidence is currently insufficient to determine the role of this variant in disease. Therefore, it has been classified as a Variant of Uncertain Significance. Algorithms developed to predict the effect of missense changes on protein structure and function are either unavailable or do not agree on the potential impact of this missense change (SIFT: "Deleterious"; PolyPhen-2: "Probably Damaging"; Align-GVGD: "Class C0"). This variant has not been reported in the literature in individuals affected with GPR179-related conditions. This variant is not present in population databases (gnomAD no frequency). This sequence change replaces methionine, which is neutral and non-polar, with threonine, which is neutral and polar, at codon 546 of the GPR179 protein (p.Met546Thr).

NM_001004334.4(GPR179):c.1637T>C (p.Met546Thr)

Gene: GPR179 (G protein-coupled receptor 179; minus strand). Cytogenetic location: 17q12.
Variant type: single nucleotide variant.
Coding change: c.1637T>C on transcript NM_001004334.4 (MANE Select); coding-DNA position 1637, T replaced by C.
Protein change: p.Met546Thr; replaces methionine 546 with threonine.
Molecular consequence: missense variant.
Genome position (GRCh38, 1-based): chr17:38,335,041, A>G on the plus strand (T>C on the coding strand, the complement: GPR179 is on the minus strand). VCF-style: chr17-38335041-A-G. GRCh37 (hg19) VCF-style: chr17-36490924-A-G.
Other names: short protein forms M546T.
Identifiers: ClinVar variation 1473160 (VCV001473160.8), dbSNP rs2144269768, ClinGen allele CA398886382.